The following is an entry in ClinVar:

ClinVar aggregate classification (germline): Uncertain significance (1 of 4 stars; one submission).

Conditions:
Ullrich congenital muscular dystrophy 2 (UCMD2). Identifiers: Orphanet 75840, MedGen C4225314, MONDO:0014654, OMIM 616470.
Bethlem myopathy 2 (BTHLM2). Identifiers: Orphanet 536516, Orphanet 610, MedGen C4225313, MONDO:0034022, OMIM 616471.

Submission:

Labcorp Genetics (formerly Invitae), Labcorp
Classification: Uncertain significance for Bethlem myopathy 2; Ullrich congenital muscular dystrophy 2. Last evaluated: 2023-09-09. Review status: criteria provided, single submitter. Criteria: Invitae Variant Classification Sherloc (09022015). Collection method: clinical testing. Allele origin: germline.
Comment: This variant has not been reported in the literature in individuals affected with COL12A1-related conditions. This sequence change replaces proline, which is neutral and non-polar, with threonine, which is neutral and polar, at codon 2802 of the COL12A1 protein (p.Pro2802Thr). This variant is not present in population databases (gnomAD no frequency). Advanced modeling of protein sequence and biophysical properties (such as structural, functional, and spatial information, amino acid conservation, physicochemical variation, residue mobility, and thermodynamic stability) performed at Invitae indicates that this missense variant is not expected to disrupt COL12A1 protein function. In summary, the available evidence is currently insufficient to determine the role of this variant in disease. Therefore, it has been classified as a Variant of Uncertain Significance.

NM_004370.6(COL12A1):c.8404C>A (p.Pro2802Thr)

Gene: COL12A1 (collagen type XII alpha 1 chain; minus strand). Cytogenetic location: 6q13.
Variant type: single nucleotide variant.
Coding change: c.8404C>A on transcript NM_004370.6 (MANE Select); coding-DNA position 8404, C replaced by A.
Protein change: p.Pro2802Thr; replaces proline 2802 with threonine.
Molecular consequence: missense variant.
Genome position (GRCh38, 1-based): chr6:75,102,608, G>T on the plus strand (C>A on the coding strand, the complement: COL12A1 is on the minus strand). VCF-style: chr6-75102608-G-T. GRCh37 (hg19) VCF-style: chr6-75812324-G-T.
Other names: c.8404C>A, p.Pro2802Thr (NM_001424113.1); c.8383C>A, p.Pro2795Thr (NM_001424114.1); c.8131C>A, p.Pro2711Thr (NM_001424115.1); c.4912C>A, p.Pro1638Thr (NM_001424116.1, NM_080645.3); short protein forms P2711T, P2802T, P1638T, P2795T.
Identifiers: ClinVar variation 2950523 (VCV002950523.3), dbSNP rs2533103279, ClinGen allele CA364739450.